The following is an entry in ClinVar:

ClinVar aggregate classification (germline): Likely pathogenic (1 of 4 stars; one submission).

Conditions:
X-linked chondrodysplasia punctata 1 (CDPX1). Also called: CHONDRODYSPLASIA PUNCTATA, BRACHYTELEPHALANGIC; Chondrodysplasia punctata, X-linked recessive. Identifiers: Orphanet 79345, MedGen C3669395, MONDO:0010555, OMIM 302950.

Submission:

Diagnostics Services (NGS), CSIR - Centre For Cellular And Molecular Biology
Classification: Likely pathogenic for X-linked chondrodysplasia punctata 1. Last evaluated: 2025-11-04. Review status: criteria provided, single submitter. Criteria: ACMG Guidelines, 2015. Collection method: clinical testing. Allele origin: germline. Affected: no. Observed: 1 variant allele, 1 heterozygote.
Comment: The c.258C>A variant is not present in publicly available population databases, such as 1000 Genomes, EVS, gnomAD, Indian Exome Database or our internal database. This variant has neither been observed in affected individuals nor reported to clinical databases like Human Genome Mutation Database (HGMD), ClinVar or OMIM, in any affected individuals. In-silico pathogenicity prediction programs, such as MutationTaster2021, CADD, Varsome, Franklin etc predicted this variant to be likely deleterious; however, these predictions were not confirmed by published functional studies.

NM_000047.3(ARSL):c.258C>A (p.Cys86Ter)

Gene: ARSL (arylsulfatase L; minus strand). Cytogenetic location: Xp22.33.
Variant type: single nucleotide variant.
Coding change: c.258C>A on transcript NM_000047.3 (MANE Select); coding-DNA position 258, C replaced by A.
Protein change: p.Cys86Ter; replaces cysteine 86 with a stop codon.
Molecular consequence: nonsense.
Genome position (GRCh38, 1-based): chrX:2,955,465, G>T on the plus strand (C>A on the coding strand, the complement: ARSL is on the minus strand). VCF-style: chrX-2955465-G-T. GRCh37 (hg19) VCF-style: chrX-2873506-G-T.
Other names: c.333C>A, p.Cys111Ter (NM_001282628.2, NM_001369080.1); c.96C>A, p.Cys32Ter (NM_001282631.2, NM_001440750.1); c.285C>A, p.Cys95Ter (NM_001369079.1); c.258C>A, p.Cys86Ter (NM_001440751.1); short protein forms C111*, C32*, C86*, C95*.
Identifiers: ClinVar variation 4533272 (VCV004533272.1).
Genomic context (GRCh38, chrX:2,955,465, plus strand): 5'-GAGAGACTGACCTGATCGCACAGGGTATCTGCCCGTGAGGAAGGCGGCTCTGCTTGGGGT[G>T]CACAAAGATGCGGCAGAGATGTGTTGGGTCAGCTTCACGCCGTCCTCTGCAAGGCGGTCA-3'